The following is an entry in ClinVar:

NM_006015.6(ARID1A):c.405T>G (p.Pro135=)

Gene: ARID1A (AT-rich interaction domain 1A; plus strand). Cytogenetic location: 1p36.11.
Variant type: single nucleotide variant.
Coding change: c.405T>G on transcript NM_006015.6 (MANE Select); coding-DNA position 405, T replaced by G.
Protein change: p.Pro135=; no amino-acid change (proline 135 retained).
Molecular consequence: synonymous variant.
Genome position (GRCh38, 1-based): chr1:26,696,808, T>G. VCF-style: chr1-26696808-T-G. GRCh37 (hg19) VCF-style: chr1-27023299-T-G.
Other names: c.405T>G, p.Pro135= (NM_139135.4).
Identifiers: ClinVar variation 1186769 (VCV001186769.33), dbSNP rs922780561, ClinGen allele CA19640612.

ClinVar aggregate classification (germline): Benign/Likely benign. Review status: criteria provided, multiple submitters, no conflicts (2 of 4 stars). 5 submissions from 5 submitters: Benign (1); Likely benign (3). 1 of the submissions does not count toward it. Last evaluated 2025-12-01.

Conditions:
ARID1A-related disorder. Also called: ARID1A-related condition.

Allele frequency attached by ClinVar (database versions not stated): gnomAD 0.00012 and 0.00013; TOPMed 0.00013; gnomAD exomes 0.00018 and 0.00022.
gnomAD v4.1: 276 of 1,336,570 alleles (0.021%); highest among the groups gnomAD compares: Non-Finnish European, 0.025%; no homozygotes.

Submissions (5):

Labcorp Genetics (formerly Invitae), Labcorp
Classification: Benign. Last evaluated: 2025-12-01. Review status: criteria provided, single submitter. Criteria: Invitae Variant Classification Sherloc (09022015). Collection method: clinical testing. Allele origin: germline.

CeGaT Center for Human Genetics Tuebingen
Classification: Likely benign. Last evaluated: 2022-11-01. Review status: criteria provided, single submitter. Criteria: CeGaT Center For Human Genetics Tuebingen Variant Classification Criteria Version 2. Collection method: clinical testing. Allele origin: germline. Affected: yes. Observed: 1 variant allele.
Comment: ARID1A: BP4, BP7

Blueprint Genetics
Classification: Likely benign. Last evaluated: 2021-11-11. Review status: criteria provided, single submitter. Criteria: ACMG Guidelines, 2015. Collection method: clinical testing. Allele origin: germline.

GeneDx
Classification: Likely benign. Last evaluated: 2020-09-16. Review status: criteria provided, single submitter. Criteria: GeneDx Variant Classification Process June 2021. Collection method: clinical testing. Allele origin: germline. Affected: yes.

PreventionGenetics, part of Exact Sciences
Classification: Likely benign for ARID1A-related condition. Last evaluated: 2022-01-26. Review status: no assertion criteria provided. Collection method: clinical testing. Allele origin: germline. Not counted in ClinVar's aggregate classification.
Comment: This variant is classified as likely benign based on ACMG/AMP sequence variant interpretation guidelines (Richards et al. 2015 PMID: 25741868, with internal and published modifications).